The following is an entry in ClinVar:

NC_000017.10:g.(?_41251627)_(41251803_?)del

Gene: BRCA1 (BRCA1 DNA repair associated; minus strand). Cytogenetic location: 17q21.31.
Variant type: Deletion.
Identifiers: ClinVar variation 3243014 (VCV003243014.1).

ClinVar aggregate classification (germline): Pathogenic (1 of 4 stars; one submission).

Conditions:
Hereditary breast ovarian cancer syndrome. Also called: Hereditary breast and ovarian cancer syndrome; Hereditary breast and ovarian cancer; Hereditary breast and ovarian cancer syndrome (HBOC); Breast and ovarian cancer; Hereditary breast and/or ovarian cancer syndrome; BRCA1- and BRCA2-Associated Hereditary Breast and Ovarian Cancer. Identifiers: Orphanet 145, MedGen C0677776, MeSH D061325, MONDO:0003582. Disease mechanism: loss of function.

Submission:

Labcorp Genetics (formerly Invitae), Labcorp
Classification: Pathogenic for Hereditary breast ovarian cancer syndrome. Last evaluated: 2019-09-06. Review status: criteria provided, single submitter. Criteria: Invitae Variant Classification Sherloc (09022015). Collection method: clinical testing. Allele origin: unknown.
Comment: This variant is a deletion of the genomic region encompassing part of exon 7 (c.536_547+165del) of the BRCA1 gene. It is expected to disrupt RNA splicing and likely results in an absent or disrupted protein product. For these reasons, this variant has been classified as Pathogenic. Loss-of-function variants in BRCA1 are known to be pathogenic (PMID: 20104584). This variant has not been reported in the literature in individuals with BRCA1-related conditions. ClinVar contains an entry for this variant (Variation ID: 531432). This variant is not present in population databases (ExAC no frequency).

Literature cited by the submitters: PubMed 20104584.